The following is an entry in ClinVar:

NM_000548.5(TSC2):c.2120A>T (p.Lys707Met)

Gene: TSC2 (TSC complex subunit 2; plus strand). Cytogenetic location: 16p13.3.
Variant type: single nucleotide variant.
Coding change: c.2120A>T on transcript NM_000548.5 (MANE Select); coding-DNA position 2120, A replaced by T.
Protein change: p.Lys707Met; replaces lysine 707 with methionine.
Molecular consequence: missense variant. On other transcripts: non-coding transcript variant (5).
Genome position (GRCh38, 1-based): chr16:2,072,263, A>T. VCF-style: chr16-2072263-A-T. GRCh37 (hg19) VCF-style: chr16-2122264-A-T.
Other names: c.1520A>T, p.Lys507Met (NM_001406687.1, NM_001406688.1, NM_001318831.2 and 6 more transcripts); c.776A>T, p.Lys259Met (NM_001406689.1, NM_001406690.1, NM_001406691.1 and 6 more transcripts); c.518A>T, p.Lys173Met (NM_001406698.1); c.2120A>T, p.Lys707Met (NM_021055.3, NM_001077183.3, NM_001114382.3 and 6 more transcripts); c.2009A>T, p.Lys670Met (NM_001318827.2, NM_001406670.1, NM_001406678.1); c.1973A>T, p.Lys658Met (NM_001318829.2, NM_001406675.1, NM_001406676.1 and 1 more transcripts); c.2153A>T, p.Lys718Met (NM_001318832.2); c.2210A>T, p.Lys737Met (NM_001406667.1, NM_001406668.1); and 3 more; short protein forms K173M, K259M, K507M, K553M, K658M, K670M, K688M, K703M.
Identifiers: ClinVar variation 3232104 (VCV003232104.1), dbSNP rs2151316282, ClinGen allele CA394274791.

ClinVar aggregate classification (germline): Uncertain significance (1 of 4 stars; one submission).

Conditions:
Hereditary cancer-predisposing syndrome. Also called: Neoplastic Syndromes, Hereditary; Tumor predisposition; Hereditary neoplastic syndrome; Hereditary Cancer Syndrome. Identifiers: Orphanet 140162, MedGen C0027672, MeSH D009386, MONDO:0015356.

Submission:

Ambry Genetics
Classification: Uncertain significance for Hereditary cancer-predisposing syndrome. Last evaluated: 2023-12-07. Review status: criteria provided, single submitter. Criteria: Ambry Variant Classification Scheme 2023. Collection method: clinical testing. Allele origin: germline.
Comment: The p.K707M variant (also known as c.2120A>T), located in coding exon 19 of the TSC2 gene, results from an A to T substitution at nucleotide position 2120. The lysine at codon 707 is replaced by methionine, an amino acid with similar properties. This amino acid position is conserved. In addition, this alteration is predicted to be deleterious by in silico analysis. Since supporting evidence is limited at this time, the clinical significance of this alteration remains unclear.